The following is an entry in ClinVar:

NM_001352027.3(PHF21A):c.1079G>A (p.Arg360Gln)

Gene: PHF21A (PHD finger protein 21A; minus strand). Cytogenetic location: 11p11.2.
Variant type: single nucleotide variant.
Coding change: c.1079G>A on transcript NM_001352027.3 (MANE Select); coding-DNA position 1079, G replaced by A.
Protein change: p.Arg360Gln; replaces arginine 360 with glutamine.
Molecular consequence: missense variant. On other transcripts: non-coding transcript variant (2).
Genome position (GRCh38, 1-based): chr11:45,953,543, C>T on the plus strand (G>A on the coding strand, the complement: PHF21A is on the minus strand). VCF-style: chr11-45953543-C-T. GRCh37 (hg19) VCF-style: chr11-45975094-C-T.
Other names: c.1079G>A, p.Arg360Gln (NM_001352029.1, NM_016621.5, NM_001352025.3 and 2 more transcripts); c.1076G>A, p.Arg359Gln (NM_001352030.3, NM_001352031.3, NM_001352032.3 and 1 more transcripts); short protein forms R360Q, R359Q.
Identifiers: ClinVar variation 3675475 (VCV003675475.2).

ClinVar aggregate classification (germline): Uncertain significance (1 of 4 stars; one submission).

gnomAD v4.1: 12 of 1,612,272 alleles (0.00074%); highest among the groups gnomAD compares: South Asian, 0.0055%; no homozygotes.

Submission:

Labcorp Genetics (formerly Invitae), Labcorp
Classification: Uncertain significance. Last evaluated: 2024-09-26. Review status: criteria provided, single submitter. Criteria: Invitae Variant Classification Sherloc (09022015). Collection method: clinical testing. Allele origin: germline.
Comment: This sequence change replaces arginine, which is basic and polar, with glutamine, which is neutral and polar, at codon 359 of the PHF21A protein (p.Arg359Gln). This variant is present in population databases (rs772216470, gnomAD 0.005%). This variant has not been reported in the literature in individuals affected with PHF21A-related conditions. Invitae Evidence Modeling of protein sequence and biophysical properties (such as structural, functional, and spatial information, amino acid conservation, physicochemical variation, residue mobility, and thermodynamic stability) indicates that this missense variant is not expected to disrupt PHF21A protein function with a negative predictive value of 80%. In summary, the available evidence is currently insufficient to determine the role of this variant in disease. Therefore, it has been classified as a Variant of Uncertain Significance.